The following is an entry in ClinVar:

ClinVar aggregate classification (germline): Uncertain significance. Review status: criteria provided, multiple submitters, no conflicts (2 of 4 stars). 3 submissions from 3 submitters: Uncertain significance (3). Last evaluated 2026-04-14.

Conditions:
FLNB-related disorder. Also called: FLNB-related condition; FLNB-related disorders. Identifiers: MedGen CN381095.

Allele frequency attached by ClinVar (database versions not stated): gnomAD 0.00003; gnomAD exomes 0.00001 and 0.00002; TOPMed 0.00002.
gnomAD v4.1: 33 of 1,613,878 alleles (0.002%); highest among the groups gnomAD compares: Non-Finnish European, 0.0026%; no homozygotes.

Submissions (3):

GeneDx
Classification: Uncertain significance. Last evaluated: 2026-04-14. Review status: criteria provided, single submitter. Criteria: GeneDx Variant Classification Process June 2021. Collection method: clinical testing. Allele origin: germline.
Comment: In silico analysis suggests that this missense variant does not alter protein structure/function; Has not been previously published as pathogenic or benign to our knowledge

Labcorp Genetics (formerly Invitae), Labcorp
Classification: Uncertain significance. Last evaluated: 2025-12-28. Review status: criteria provided, single submitter. Criteria: Invitae Variant Classification Sherloc (09022015). Collection method: clinical testing. Allele origin: germline.
Comment: This sequence change replaces threonine, which is neutral and polar, with serine, which is neutral and polar, at codon 71 of the FLNB protein (p.Thr71Ser). The frequency data for this variant in the population databases is considered unreliable, as metrics indicate poor data quality at this position in the gnomAD database. This variant has not been reported in the literature in individuals affected with FLNB-related conditions. ClinVar contains an entry for this variant (Variation ID: 1388926). Invitae Evidence Modeling of protein sequence and biophysical properties (such as structural, functional, and spatial information, amino acid conservation, physicochemical variation, residue mobility, and thermodynamic stability) indicates that this missense variant is not expected to disrupt FLNB protein function with a negative predictive value of 95%. In summary, the available evidence is currently insufficient to determine the role of this variant in disease. Therefore, it has been classified as a Variant of Uncertain Significance.

PreventionGenetics, part of Exact Sciences
Classification: Uncertain significance for FLNB-related condition. Last evaluated: 2023-05-05. Review status: criteria provided, single submitter. Criteria: ACMG Guidelines, 2015. Collection method: clinical testing. Allele origin: germline.
Comment: The FLNB c.212C>G variant is predicted to result in the amino acid substitution p.Thr71Ser. To our knowledge, this variant has not been reported in the literature. This variant is reported in 0.0023% of alleles in individuals of European (Non-Finnish) descent in gnomAD. At this time, the clinical significance of this variant is uncertain due to the absence of conclusive functional and genetic evidence.

NM_001457.4(FLNB):c.212C>G (p.Thr71Ser)

Gene: FLNB (filamin B; plus strand). Cytogenetic location: 3p14.3.
Variant type: single nucleotide variant.
Coding change: c.212C>G on transcript NM_001457.4 (MANE Select); coding-DNA position 212, C replaced by G.
Protein change: p.Thr71Ser; replaces threonine 71 with serine.
Molecular consequence: missense variant.
Genome position (GRCh38, 1-based): chr3:58,008,776, C>G. VCF-style: chr3-58008776-C-G. GRCh37 (hg19) VCF-style: chr3-57994503-C-G.
Other names: c.212C>G, p.Thr71Ser (NM_001164317.2, NM_001164318.2, NM_001164319.2); c.212C>G (NM_001457.3); short protein forms T71S.
Identifiers: ClinVar variation 1388926 (VCV001388926.7), dbSNP rs1254928825, ClinGen allele CA353413231.